The following is an entry in ClinVar:

ClinVar aggregate classification (germline): Uncertain significance (1 of 4 stars; one submission).

Conditions:
Spastic paraplegia. Identifiers: MedGen C0037772, HP:0001258.

Submission:

Labcorp Genetics (formerly Invitae), Labcorp
Classification: Uncertain significance for Spastic paraplegia. Last evaluated: 2022-03-30. Review status: criteria provided, single submitter. Criteria: Invitae Variant Classification Sherloc (09022015). Collection method: clinical testing. Allele origin: germline.
Comment: This variant is not present in population databases (gnomAD no frequency). This sequence change replaces leucine, which is neutral and non-polar, with proline, which is neutral and non-polar, at codon 797 of the KIF5A protein (p.Leu797Pro). This variant has not been reported in the literature in individuals affected with KIF5A-related conditions. Advanced modeling of protein sequence and biophysical properties (such as structural, functional, and spatial information, amino acid conservation, physicochemical variation, residue mobility, and thermodynamic stability) performed at Invitae indicates that this missense variant is expected to disrupt KIF5A protein function. In summary, the available evidence is currently insufficient to determine the role of this variant in disease. Therefore, it has been classified as a Variant of Uncertain Significance.

NM_004984.4(KIF5A):c.2390T>C (p.Leu797Pro)

Gene: KIF5A (kinesin family member 5A; plus strand). Cytogenetic location: 12q13.3.
Variant type: single nucleotide variant.
Coding change: c.2390T>C on transcript NM_004984.4 (MANE Select); coding-DNA position 2390, T replaced by C.
Protein change: p.Leu797Pro; replaces leucine 797 with proline.
Molecular consequence: missense variant.
Genome position (GRCh38, 1-based): chr12:57,578,037, T>C. VCF-style: chr12-57578037-T-C. GRCh37 (hg19) VCF-style: chr12-57971820-T-C.
Other names: c.2123T>C, p.Leu708Pro (NM_001354705.2); short protein forms L708P, L797P.
Identifiers: ClinVar variation 2119683 (VCV002119683.4), dbSNP rs2540511783, ClinGen allele CA385512957.
Genomic context (GRCh38, chr12:57,578,037, plus strand): 5'-GGCTATTCCCAATTTTTCATCATTCTTTCCAGGCCCGGGAACTCCAGACCCTCCACAACC[T>C]TCGCAAGCTGTTCGTTCAAGACGTCACGACTCGAGTCAAGAAAGTGAGTGCTGTCCTTGG-3'
Protein context (NP_004975.2, residues 787-807): VARELQTLHN[Leu797Pro]RKLFVQDVTT